The following is an entry in ClinVar:

ClinVar aggregate classification (germline): Pathogenic (1 of 4 stars; one submission).

Conditions:
Short-rib thoracic dysplasia 14 with polydactyly (SRTD14). Identifiers: Orphanet 397715, MedGen C4225286, MONDO:0014688, OMIM 616546.
Joubert syndrome 23 (JBTS23). Identifiers: Orphanet 475, MedGen C4084822, MONDO:0014664, OMIM 616490.

Submission:

Labcorp Genetics (formerly Invitae), Labcorp
Classification: Pathogenic for Joubert syndrome 23; Short-rib thoracic dysplasia 14 with polydactyly. Last evaluated: 2020-06-18. Review status: criteria provided, single submitter. Criteria: Invitae Variant Classification Sherloc (09022015). Collection method: clinical testing. Allele origin: germline.
Comment: For these reasons, this variant has been classified as Pathogenic. Loss-of-function variants in KIAA0586 are known to be pathogenic (PMID: 26096313, 26166481, 26386044). This variant has not been reported in the literature in individuals with KIAA0586-related conditions. This variant is not present in population databases (ExAC no frequency). This sequence change creates a premature translational stop signal (p.Lys412Glufs*29) in the KIAA0586 gene. It is expected to result in an absent or disrupted protein product.

Literature cited by the submitters: PubMed 26096313; PubMed 26166481; PubMed 26386044.

NM_001329943.3(KIAA0586):c.1075_1076del (p.Lys359fs)

Gene: KIAA0586 (KIAA0586; plus strand). Cytogenetic location: 14q23.1.
Variant type: Deletion.
Coding change: c.1075_1076del on transcript NM_001329943.3 (MANE Select); coding-DNA positions 1075 to 1076, 2 bases deleted (AA; older notation c.1075_1076delAA).
Protein change: p.Lys359fs; shifts the reading frame from lysine 359.
Molecular consequence: frameshift variant.
Genome position (GRCh38, 1-based): chr14:58,450,692-58,450,693, AA deleted; deleting any 2 consecutive bases within chr14:58,450,691-58,450,693 gives the same sequence; the c. name uses the placement nearest the transcript's 3' end. VCF-style (leftmost placement, unchanged base first): chr14-58450690-CAA-C. GRCh37 (hg19) VCF-style: chr14-58917408-CAA-C.
Other names: c.1234_1235del, p.Lys412fs (NM_001244189.2); c.1030_1031del, p.Lys344fs (NM_001244190.2); c.820_821del, p.Lys274fs (NM_001244191.2, NM_001329945.2, NM_001364700.1 and 1 more transcripts); c.943_944del, p.Lys315fs (NM_001244192.2); c.655_656del, p.Lys219fs (NM_001244193.2); c.1075_1076del, p.Lys359fs (NM_001329944.2, NM_001329946.2, NM_001329947.2 and 1 more transcripts); short protein forms K219fs, K274fs, K315fs, K344fs, K359fs, K412fs.
Identifiers: ClinVar variation 1073545 (VCV001073545.7), dbSNP rs2140706563, ClinGen allele CA2499222648.
Genomic context (GRCh38, chr14:58,450,690, plus strand): 5'-TGGAGACACCAGCACCTCGCAGATTTGCTCCTGTACCTGTTTCAAGGGATGATGAACTAT[CAA>C]AGAGGGAAAATCTTTTGGAAGAAAAAGAAAATATGGAAGTGTCGTGTCACAGAGGTAATA-3'